The following is an entry in ClinVar:

ClinVar aggregate classification (germline): Likely benign. Review status: criteria provided, single submitter (1 of 4 stars). 2 submissions from 2 submitters: Likely benign (1). 1 of the submissions does not count toward it. Last evaluated 2022-07-01.

Conditions:
PSMD12-related disorder. Also called: PSMD12-related condition.

Allele frequency attached by ClinVar (database versions not stated): gnomAD exomes 0.00001; TOPMed 0.00002; gnomAD 0.00003.
gnomAD v4.1: 22 of 1,602,018 alleles (0.0014%); highest among the groups gnomAD compares: Non-Finnish European, 0.0017%; no homozygotes.

Submissions (2):

CeGaT Center for Human Genetics Tuebingen
Classification: Likely benign. Last evaluated: 2022-07-01. Review status: criteria provided, single submitter. Criteria: CeGaT Center For Human Genetics Tuebingen Variant Classification Criteria Version 2. Collection method: clinical testing. Allele origin: germline. Affected: yes. Observed: 1 variant allele.
Comment: PSMD12: BP4, BP7

PreventionGenetics, part of Exact Sciences
Classification: Likely benign for PSMD12-related condition. Last evaluated: 2019-11-25. Review status: no assertion criteria provided. Collection method: clinical testing. Allele origin: germline. Not counted in ClinVar's aggregate classification.
Comment: This variant is classified as likely benign based on ACMG/AMP sequence variant interpretation guidelines (Richards et al. 2015 PMID: 25741868, with internal and published modifications).

NM_002816.5(PSMD12):c.940T>C (p.Leu314=)

Gene: PSMD12 (proteasome 26S subunit, non-ATPase 12; minus strand). Cytogenetic location: 17q24.2.
Variant type: single nucleotide variant.
Coding change: c.940T>C on transcript NM_002816.5 (MANE Select); coding-DNA position 940, T replaced by C.
Protein change: p.Leu314=; no amino-acid change (leucine 314 retained).
Molecular consequence: synonymous variant.
Genome position (GRCh38, 1-based): chr17:67,344,749, A>G on the plus strand (T>C on the coding strand, the complement: PSMD12 is on the minus strand). VCF-style: chr17-67344749-A-G. GRCh37 (hg19) VCF-style: chr17-65340865-A-G.
Other names: c.763T>C, p.Leu255= (NM_001316341.2); c.880T>C, p.Leu294= (NM_174871.4); c.940T>C (NM_002816.4).
Identifiers: ClinVar variation 2648117 (VCV002648117.24), dbSNP rs1406433661, ClinGen allele CA501600340.